The following is an entry in ClinVar:

NM_000179.3(MSH6):c.3622_3623insGAGAG (p.Ser1208Ter)

Gene: MSH6 (mutS homolog 6; plus strand). Cytogenetic location: 2p16.3.
Variant type: Insertion.
Coding change: c.3622_3623insGAGAG on transcript NM_000179.3 (MANE Select); coding-DNA positions 3622 to 3623, GAGAG inserted.
Protein change: p.Ser1208Ter; replaces serine 1208 with a stop codon.
Molecular consequence: nonsense. On other transcripts: non-coding transcript variant (5).
Genome position: GRCh38 VCF-style: chr2-47805683-T-TGAGAG. GRCh37 (hg19) VCF-style: chr2-48032822-T-TGAGAG.
Other names: c.3232_3233insGAGAG, p.Ser1078Ter (NM_001281492.2); c.2716_2717insGAGAG, p.Ser906Ter (NM_001281493.2, NM_001281494.2, NM_001406811.1 and 6 more transcripts); c.3718_3719insGAGAG, p.Ser1240Ter (NM_001406795.1, NM_001406802.1); c.3622_3623insGAGAG, p.Ser1208Ter (NM_001406796.1, NM_001406800.1, NM_001406808.1 and 1 more transcripts); c.3325_3326insGAGAG, p.Ser1109Ter (NM_001406797.1, NM_001406801.1, NM_001406805.1 and 10 more transcripts); c.3448_3449insGAGAG, p.Ser1150Ter (NM_001406798.1); c.3097_3098insGAGAG, p.Ser1033Ter (NM_001406799.1, NM_001406806.1, NM_001406807.1); c.2758_2759insGAGAG, p.Ser920Ter (NM_001406803.1); and 7 more; short protein forms S1033*, S1078*, S1109*, S1150*, S1152*, S1182*, S1208*, S1210*.
Identifiers: ClinVar variation 4294271 (VCV004294271.2).

ClinVar aggregate classification (germline): Pathogenic. Review status: criteria provided, multiple submitters, no conflicts (2 of 4 stars). 2 submissions from 2 submitters: Pathogenic (2). Last evaluated 2025-11-24.

Conditions:
Lynch syndrome 5 (LYNCH5). Also called: Colorectal cancer, hereditary nonpolyposis, type 5; Hereditary non-polyposis colorectal cancer, type 5. Identifiers: Orphanet 144, MedGen C1833477, MONDO:0013710, OMIM 614350. Disease mechanism: loss of function.

Submissions (2):

Genetic Services Laboratory, University of Chicago
Classification: Pathogenic. Last evaluated: 2025-11-24. Review status: criteria provided, single submitter. Criteria: ACMG Guidelines, 2015. Collection method: clinical testing. Allele origin: germline.
Comment: The c.3622_3623insGAGAG variant: Is an insertion of 5 basepairs. Results in the creation of a premature stop codon at amino acid position 1208, p.Ser1208*. Is predicted to result in an abnormal transcript, which may be degraded, or may lead to the production of a truncated MSH6 protein with potentially abnormal function. Has not been described in the literature in individuals with MSH6-related disorders. However, loss-of-function variants in MSH6 are known to be pathogenic (PMID: 20301390). Has not been described in population databases such as gnomAD v4. ClinVar contains an entry for this variant (Variation ID: 4294271). Collectively this evidence indicates that this variant is pathogenic; however functional studies have not been performed to prove this conclusively.

Myriad Genetics, Inc.
Classification: Pathogenic for Lynch syndrome 5. Last evaluated: 2025-09-16. Review status: criteria provided, single submitter. Criteria: Myriad Autosomal Dominant, Autosomal Recessive and X-Linked Classification Criteria (2023). Collection method: clinical testing. Allele origin: unknown.
Comment: This variant is considered pathogenic. This variant creates a termination codon and is predicted to result in premature protein truncation.